The following is an entry in ClinVar:

ClinVar aggregate classification (germline): Uncertain significance. Review status: criteria provided, multiple submitters, no conflicts (2 of 4 stars). 2 submissions from 2 submitters: Uncertain significance (2). Last evaluated 2026-08-31.

Conditions:
Hereditary cancer-predisposing syndrome. Also called: Hereditary Cancer Syndrome; Hereditary neoplastic syndrome; Neoplastic Syndromes, Hereditary; Tumor predisposition. Identifiers: Orphanet 140162, MedGen C0027672, MeSH D009386, MONDO:0015356.

Allele frequency attached by ClinVar (database versions not stated): gnomAD exomes below 0.00001.
gnomAD v4.1: 1 of 1,614,100 alleles (0.000062%); highest among the groups gnomAD compares: Non-Finnish European, 0.000085%; no homozygotes.

Submissions (2):

Ambry Genetics
Classification: Uncertain significance for Hereditary cancer-predisposing syndrome. Last evaluated: 2026-08-31. Review status: criteria provided, single submitter. Criteria: Ambry Variant Classification Scheme 2023. Collection method: clinical testing. Allele origin: germline.
Comment: The p.A597D variant (also known as c.1790C>A), located in coding exon 12 of the CTNNA1 gene, results from a C to A substitution at nucleotide position 1790. The alanine at codon 597 is replaced by aspartic acid, an amino acid with dissimilar properties. This amino acid position is conserved. In addition, the in silico prediction for this alteration is inconclusive. Based on the available evidence, the clinical significance of this variant remains unclear.

Labcorp Genetics (formerly Invitae), Labcorp
Classification: Uncertain significance. Last evaluated: 2024-04-05. Review status: criteria provided, single submitter. Criteria: Invitae Variant Classification Sherloc (09022015). Collection method: clinical testing. Allele origin: germline.
Comment: This sequence change replaces alanine, which is neutral and non-polar, with aspartic acid, which is acidic and polar, at codon 597 of the CTNNA1 protein (p.Ala597Asp). This variant is not present in population databases (gnomAD no frequency). This variant has not been reported in the literature in individuals affected with CTNNA1-related conditions. Advanced modeling of protein sequence and biophysical properties (such as structural, functional, and spatial information, amino acid conservation, physicochemical variation, residue mobility, and thermodynamic stability) performed at Invitae indicates that this missense variant is not expected to disrupt CTNNA1 protein function with a negative predictive value of 80%. In summary, the available evidence is currently insufficient to determine the role of this variant in disease. Therefore, it has been classified as a Variant of Uncertain Significance.

NM_001903.5(CTNNA1):c.1790C>A (p.Ala597Asp)

Gene: CTNNA1 (catenin alpha 1; plus strand). Cytogenetic location: 5q31.2.
Variant type: single nucleotide variant.
Coding change: c.1790C>A on transcript NM_001903.5 (MANE Select); coding-DNA position 1790, C replaced by A.
Protein change: p.Ala597Asp; replaces alanine 597 with aspartic acid.
Molecular consequence: missense variant.
Genome position (GRCh38, 1-based): chr5:138,925,298, C>A. VCF-style: chr5-138925298-C-A. GRCh37 (hg19) VCF-style: chr5-138260987-C-A.
Other names: c.1790C>A (NM_001903.2); c.341C>A, p.Ala114Asp (NM_001324009.1, NM_001324010.1, NM_001324008.1 and 2 more transcripts); c.587C>A, p.Ala196Asp (NM_001324011.1); c.437C>A, p.Ala146Asp (NM_001324012.1, NM_001324013.1); c.1790C>A, p.Ala597Asp (NM_001290307.3, NM_001323982.2, NM_001323983.1 and 2 more transcripts); c.1481C>A, p.Ala494Asp (NM_001290309.3); c.1421C>A, p.Ala474Asp (NM_001290310.3); c.680C>A, p.Ala227Asp (NM_001290312.1, NM_001323987.1, NM_001323988.1 and 17 more transcripts); and 1 more; short protein forms A146D, A474D, A494D, A597D, A114D, A196D, A227D, A566D.
Identifiers: ClinVar variation 2812740 (VCV002812740.4), dbSNP rs1763774286, ClinGen allele CA361132213.